The following is an entry in ClinVar:

NM_182914.3(SYNE2):c.4799A>C (p.Asn1600Thr)

Gene: SYNE2 (spectrin repeat containing nuclear envelope protein 2; plus strand). Cytogenetic location: 14q23.2.
Variant type: single nucleotide variant.
Coding change: c.4799A>C on transcript NM_182914.3 (MANE Select); coding-DNA position 4799, A replaced by C.
Protein change: p.Asn1600Thr; replaces asparagine 1600 with threonine.
Molecular consequence: missense variant.
Genome position (GRCh38, 1-based): chr14:64,016,543, A>C. VCF-style: chr14-64016543-A-C. GRCh37 (hg19) VCF-style: chr14-64483261-A-C.
Other names: c.4799A>C, p.Asn1600Thr (NM_015180.6); short protein forms N1600T.
Identifiers: ClinVar variation 949096 (VCV000949096.9), dbSNP rs2096893538, ClinGen allele CA389937201.
Genomic context (GRCh38, chr14:64,016,543, plus strand): 5'-TCAAAGAAGAATTTAATGAGCATTTAGAAGTTGTAGACAAGATAAACCAGGTCTGCAAAA[A>C]TCTACAATTTTATCTAAATAAAATGAAAACTTTTGAAGAGCCCCCTTTTGAAAAAGAGGC-3'
Protein context (NP_878918.2, residues 1590-1610): VVDKINQVCK[Asn1600Thr]LQFYLNKMKT

ClinVar aggregate classification (germline): Uncertain significance (1 of 4 stars; one submission).

Conditions:
Emery-Dreifuss muscular dystrophy 5, autosomal dominant (EDMD5). Also called: EMERY-DREIFUSS MUSCULAR DYSTROPHY 5. Identifiers: Orphanet 261, MedGen C2751805, MONDO:0013072, OMIM 612999.

gnomAD v4.1: 1 of 1,604,628 alleles (0.000062%); highest among the groups gnomAD compares: Non-Finnish European, 0.000085%; no homozygotes.

Submission:

Labcorp Genetics (formerly Invitae), Labcorp
Classification: Uncertain significance for Emery-Dreifuss muscular dystrophy 5, autosomal dominant. Last evaluated: 2019-04-22. Review status: criteria provided, single submitter. Criteria: Invitae Variant Classification Sherloc (09022015). Collection method: clinical testing. Allele origin: germline.
Comment: In summary, the available evidence is currently insufficient to determine the role of this variant in disease. Therefore, it has been classified as a Variant of Uncertain Significance. Algorithms developed to predict the effect of missense changes on protein structure and function are either unavailable or do not agree on the potential impact of this missense change (SIFT: "Tolerated"; PolyPhen-2: "Probably Damaging"; Align-GVGD: "Class C0"). This variant has not been reported in the literature in individuals with SYNE2-related conditions. This variant is not present in population databases (ExAC no frequency). This sequence change replaces asparagine with threonine at codon 1600 of the SYNE2 protein (p.Asn1600Thr). The asparagine residue is weakly conserved and there is a small physicochemical difference between asparagine and threonine.